The following is an entry in ClinVar:

ClinVar aggregate classification (germline): Likely benign. Review status: criteria provided, multiple submitters, no conflicts (2 of 4 stars). 2 submissions from 2 submitters: Likely benign (2). Last evaluated 2026-03-16.

gnomAD v4.1: 478 of 1,613,946 alleles (0.03%); highest among the groups gnomAD compares: Non-Finnish European, 0.039%; no homozygotes.

Submissions (2):

Women's Health and Genetics/Laboratory Corporation of America, LabCorp
Classification: Likely benign. Last evaluated: 2026-03-16. Review status: criteria provided, single submitter. Criteria: LabCorp Variant Classification Summary - May 2015. Collection method: clinical testing. Allele origin: germline.

CeGaT Center for Human Genetics Tuebingen
Classification: Likely benign. Last evaluated: 2026-01-01. Review status: criteria provided, single submitter. Criteria: CeGaT Center For Human Genetics Tuebingen Variant Classification Criteria Version 2. Collection method: clinical testing. Allele origin: germline. Affected: yes. Observed: 1 variant allele.
Comment: TRPA1: BP4, BP7

NM_007332.3(TRPA1):c.789A>C (p.Ala263=)

Gene: TRPA1 (transient receptor potential cation channel subfamily A member 1; minus strand). Cytogenetic location: 8q21.11.
Variant type: single nucleotide variant.
Coding change: c.789A>C on transcript NM_007332.3 (MANE Select); coding-DNA position 789, A replaced by C.
Protein change: p.Ala263=; no amino-acid change (alanine 263 retained).
Molecular consequence: synonymous variant.
Genome position (GRCh38, 1-based): chr8:72,062,817, T>G on the plus strand (A>C on the coding strand, the complement: TRPA1 is on the minus strand). VCF-style: chr8-72062817-T-G. GRCh37 (hg19) VCF-style: chr8-72975052-T-G.
Identifiers: ClinVar variation 4821112 (VCV004821112.5).